The following is an entry in ClinVar:

ClinVar aggregate classification (germline): Uncertain significance (1 of 4 stars; one submission).

gnomAD v4.1: 8 of 1,599,128 alleles (0.0005%); highest among the groups gnomAD compares: Non-Finnish European, 0.00068%; no homozygotes.

Submission:

GeneDx
Classification: Uncertain significance. Last evaluated: 2019-09-09. Review status: criteria provided, single submitter. Criteria: GeneDx Variant Classification Process June 2021. Collection method: clinical testing. Allele origin: germline. Affected: yes.
Comment: Not observed in large population cohorts (Lek et al., 2016); In silico analysis, which includes protein predictors and evolutionary conservation, supports that this variant does not alter protein structure/function; Has not been previously published as pathogenic or benign to our knowledge

NM_001080449.3(DNA2):c.988G>T (p.Ala330Ser)

Gene: DNA2 (DNA replication helicase/nuclease 2; minus strand). Cytogenetic location: 10q21.3.
Variant type: single nucleotide variant.
Coding change: c.988G>T on transcript NM_001080449.3 (MANE Select); coding-DNA position 988, G replaced by T.
Protein change: p.Ala330Ser; replaces alanine 330 with serine.
Molecular consequence: missense variant. On other transcripts: non-coding transcript variant (1).
Genome position (GRCh38, 1-based): chr10:68,446,365, C>A on the plus strand (G>T on the coding strand, the complement: DNA2 is on the minus strand). VCF-style: chr10-68446365-C-A. GRCh37 (hg19) VCF-style: chr10-70206122-C-A.
Other names: short protein forms A330S.
Identifiers: ClinVar variation 1304483 (VCV001304483.2), dbSNP rs2133405413, ClinGen allele CA376863006.